The following is an entry in ClinVar:

NM_001330.5(CTF1):c.386C>T (p.Ala129Val)

Genes: CTF1 (cardiotrophin 1; plus strand), LOC130058878 (ATAC-STARR-seq lymphoblastoid silent region 7400; plus strand). Cytogenetic location: 16p11.2.
Variant type: single nucleotide variant.
Coding change: c.386C>T on transcript NM_001330.5 (MANE Select); coding-DNA position 386, C replaced by T.
Protein change: p.Ala129Val; replaces alanine 129 with valine.
Molecular consequence: missense variant. On other transcripts: non-coding transcript variant (1).
Genome position (GRCh38, 1-based): chr16:30,902,319, C>T. VCF-style: chr16-30902319-C-T. GRCh37 (hg19) VCF-style: chr16-30913640-C-T.
Other names: c.383C>T, p.Ala128Val (NM_001142544.3); short protein forms A128V, A129V.
Identifiers: ClinVar variation 2914576 (VCV002914576.3), dbSNP rs982426031, ClinGen allele CA280531274.

ClinVar aggregate classification (germline): Uncertain significance (1 of 4 stars; one submission).

Allele frequency attached by ClinVar (database versions not stated): TOPMed 0.00001.

Submission:

Labcorp Genetics (formerly Invitae), Labcorp
Classification: Uncertain significance. Last evaluated: 2023-07-21. Review status: criteria provided, single submitter. Criteria: Invitae Variant Classification Sherloc (09022015). Collection method: clinical testing. Allele origin: germline.
Comment: This variant has not been reported in the literature in individuals affected with CTF1-related conditions. The frequency data for this variant in the population databases is considered unreliable, as metrics indicate insufficient coverage at this position in the gnomAD database. This sequence change replaces alanine, which is neutral and non-polar, with valine, which is neutral and non-polar, at codon 129 of the CTF1 protein (p.Ala129Val). Algorithms developed to predict the effect of missense changes on protein structure and function output the following: SIFT: "Not Available"; PolyPhen-2: "Possibly Damaging"; Align-GVGD: "Not Available". The valine amino acid residue is found in multiple mammalian species, which suggests that this missense change does not adversely affect protein function. In summary, the available evidence is currently insufficient to determine the role of this variant in disease. Therefore, it has been classified as a Variant of Uncertain Significance.